The following is an entry in ClinVar:

ClinVar aggregate classification (germline): Uncertain significance (1 of 4 stars; one submission).

Conditions:
Emery-Dreifuss muscular dystrophy 5, autosomal dominant (EDMD5). Also called: EMERY-DREIFUSS MUSCULAR DYSTROPHY 5. Identifiers: Orphanet 261, MedGen C2751805, MONDO:0013072, OMIM 612999.

Allele frequency attached by ClinVar (database versions not stated): gnomAD exomes 0.00001; ExAC 0.00002; TOPMed 0.00002.
gnomAD v4.1: 16 of 1,614,040 alleles (0.00099%); highest among the groups gnomAD compares: East Asian, 0.0045%; no homozygotes.

Submission:

Labcorp Genetics (formerly Invitae), Labcorp
Classification: Uncertain significance for Emery-Dreifuss muscular dystrophy 5, autosomal dominant. Last evaluated: 2025-07-16. Review status: criteria provided, single submitter. Criteria: Invitae Variant Classification Sherloc (09022015). Collection method: clinical testing. Allele origin: germline.
Comment: This sequence change replaces arginine, which is basic and polar, with histidine, which is basic and polar, at codon 6002 of the SYNE2 protein (p.Arg6002His). This variant is present in population databases (rs764566778, gnomAD 0.006%). This variant has not been reported in the literature in individuals affected with SYNE2-related conditions. ClinVar contains an entry for this variant (Variation ID: 1462245). An algorithm developed to predict the effect of missense changes on protein structure and function outputs the following: PolyPhen-2: "Benign". The histidine amino acid residue is found in multiple mammalian species, which suggests that this missense change does not adversely affect protein function. In summary, the available evidence is currently insufficient to determine the role of this variant in disease. Therefore, it has been classified as a Variant of Uncertain Significance.

NM_182914.3(SYNE2):c.18005G>A (p.Arg6002His)

Gene: SYNE2 (spectrin repeat containing nuclear envelope protein 2; plus strand). Cytogenetic location: 14q23.2.
Variant type: single nucleotide variant.
Coding change: c.18005G>A on transcript NM_182914.3 (MANE Select); coding-DNA position 18005, G replaced by A.
Protein change: p.Arg6002His; replaces arginine 6002 with histidine.
Molecular consequence: missense variant.
Genome position (GRCh38, 1-based): chr14:64,190,204, G>A. VCF-style: chr14-64190204-G-A. GRCh37 (hg19) VCF-style: chr14-64656922-G-A.
Other names: c.18005G>A, p.Arg6002His (NM_015180.6); short protein forms R6002H.
Identifiers: ClinVar variation 1462245 (VCV001462245.8), dbSNP rs764566778, ClinGen allele CA7223894.